The following is an entry in ClinVar:

ClinVar aggregate classification (germline): Conflicting classifications of pathogenicity. Review status: criteria provided, conflicting classifications (1 of 4 stars). 7 submissions from 7 submitters: Uncertain significance (1); Benign (1); Likely benign (4). 1 of the submissions does not count toward it. Last evaluated 2025-08-02.

Conditions:
Inborn genetic diseases. Identifiers: MedGen C0950123, MeSH D030342.
FYCO1-related disorder. Also called: FYCO1-related condition.
Cataract 18 (CATC2). Also called: CATARACT 18, AUTOSOMAL RECESSIVE. Identifiers: Orphanet 91492, Orphanet 98991, Orphanet 98992, Orphanet 98995, MedGen C1864908, MONDO:0012395, OMIM 610019.

Allele frequency attached by ClinVar (database versions not stated): gnomAD exomes 0.00064; ExAC 0.00072; ESP Exome Variant Server 0.00200; gnomAD 0.00246 and 0.00271; 1000 Genomes Project 0.00260; TOPMed 0.00272; 1000 Genomes Project 30x 0.00344.
gnomAD v4.1: 717 of 1,614,080 alleles (0.044%); highest among the groups gnomAD compares: African/African-American, 0.81%; 2 homozygotes.

Submissions (7):

Ambry Genetics
Classification: Uncertain significance for Inborn genetic diseases. Last evaluated: 2025-08-02. Review status: criteria provided, single submitter. Criteria: Ambry Variant Classification Scheme 2023. Collection method: clinical testing. Allele origin: germline.

Labcorp Genetics (formerly Invitae), Labcorp
Classification: Benign for Cataract 18. Last evaluated: 2024-12-02. Review status: criteria provided, single submitter. Criteria: Invitae Variant Classification Sherloc (09022015). Collection method: clinical testing. Allele origin: germline.

Blueprint Genetics
Classification: Likely benign. Last evaluated: 2024-07-16. Review status: criteria provided, single submitter. Criteria: ACMG Guidelines, 2015. Collection method: clinical testing. Allele origin: germline.

Fulgent Genetics
Classification: Likely benign for Cataract 18. Last evaluated: 2021-08-06. Review status: criteria provided, single submitter. Criteria: ACMG Guidelines, 2015. Collection method: clinical testing. Allele origin: unknown.

GeneDx
Classification: Likely benign. Last evaluated: 2018-05-31. Review status: criteria provided, single submitter. Criteria: GeneDx Variant Classification (06012015). Collection method: clinical testing. Allele origin: germline. Affected: yes.
Comment: This variant is considered likely benign or benign based on one or more of the following criteria: it is a conservative change, it occurs at a poorly conserved position in the protein, it is predicted to be benign by multiple in silico algorithms, and/or has population frequency not consistent with disease.

Illumina Laboratory Services, Illumina
Classification: Likely benign for Cataract 18. Last evaluated: 2018-01-13. Review status: criteria provided, single submitter. Criteria: ICSL Variant Classification Criteria 13 December 2019. Collection method: clinical testing. Allele origin: germline.
Comment: This variant was observed in the ICSL laboratory as part of a predisposition screen in an ostensibly healthy population. It had not been previously curated by ICSL or reported in the Human Gene Mutation Database (HGMD: prior to June 1st, 2018), and was therefore a candidate for classification through an automated scoring system. Utilizing variant allele frequency, disease prevalence and penetrance estimates, and inheritance mode, an automated score was calculated to assess if this variant is too frequent to cause the disease. Based on the score and internal cut-off values, a variant classified as likely benign is not then subjected to further curation. The score for this variant resulted in a classification of likely benign for this disease.

PreventionGenetics, part of Exact Sciences
Classification: Benign for FYCO1-related condition. Last evaluated: 2020-06-08. Review status: no assertion criteria provided. Collection method: clinical testing. Allele origin: germline. Not counted in ClinVar's aggregate classification.
Comment: This variant is classified as benign based on ACMG/AMP sequence variant interpretation guidelines (Richards et al. 2015 PMID: 25741868, with internal and published modifications).

NM_024513.4(FYCO1):c.1439C>T (p.Thr480Met)

Gene: FYCO1 (FYVE and coiled-coil domain autophagy adaptor 1; minus strand). Cytogenetic location: 3p21.31.
Variant type: single nucleotide variant.
Coding change: c.1439C>T on transcript NM_024513.4 (MANE Select); coding-DNA position 1439, C replaced by T.
Protein change: p.Thr480Met; replaces threonine 480 with methionine.
Molecular consequence: missense variant.
Genome position (GRCh38, 1-based): chr3:45,967,895, G>A on the plus strand (C>T on the coding strand, the complement: FYCO1 is on the minus strand). VCF-style: chr3-45967895-G-A. GRCh37 (hg19) VCF-style: chr3-46009387-G-A.
Other names: c.1439C>T (NM_024513.2); short protein forms T480M.
Identifiers: ClinVar variation 468439 (VCV000468439.19), dbSNP rs146711260, ClinGen allele CA2353251.